The following is an entry in ClinVar:

ClinVar aggregate classification (germline): Benign/Likely benign. Review status: criteria provided, multiple submitters, no conflicts (2 of 4 stars). 3 submissions from 3 submitters: Benign (1); Likely benign (2). Last evaluated 2025-11-29.

Conditions:
Hereditary cancer-predisposing syndrome. Also called: Tumor predisposition; Neoplastic Syndromes, Hereditary; Hereditary neoplastic syndrome; Hereditary Cancer Syndrome. Identifiers: Orphanet 140162, MedGen C0027672, MeSH D009386, MONDO:0015356.
Familial cancer of breast. Also called: Hereditary breast cancer; hereditary breast carcinoma; BREAST CANCER, FAMILIAL. Identifiers: Orphanet 227535, MedGen C0346153, MONDO:0016419, OMIM 114480. Disease mechanism: loss of function.

Submissions (3):

Ambry Genetics
Classification: Likely benign for Hereditary cancer-predisposing syndrome. Last evaluated: 2025-11-29. Review status: criteria provided, single submitter. Criteria: Ambry Variant Classification Scheme 2023. Collection method: clinical testing. Allele origin: germline.

Myriad Genetics, Inc.
Classification: Benign for Familial cancer of breast. Last evaluated: 2025-01-16. Review status: criteria provided, single submitter. Criteria: Myriad Autosomal Dominant, Autosomal Recessive and X-Linked Classification Criteria (2023). Collection method: clinical testing. Allele origin: unknown.
Comment: This variant is considered benign. This variant is a silent/synonymous amino acid change and it is not expected to impact splicing.

Labcorp Genetics (formerly Invitae), Labcorp
Classification: Likely benign for Familial cancer of breast. Last evaluated: 2024-02-05. Review status: criteria provided, single submitter. Criteria: Invitae Variant Classification Sherloc (09022015). Collection method: clinical testing. Allele origin: germline.

NM_024675.4(PALB2):c.2349A>G (p.Ala783=)

Gene: PALB2 (partner and localizer of BRCA2; minus strand). Cytogenetic location: 16p12.2.
Variant type: single nucleotide variant.
Coding change: c.2349A>G on transcript NM_024675.4 (MANE Select); coding-DNA position 2349, A replaced by G.
Protein change: p.Ala783=; no amino-acid change (alanine 783 retained).
Molecular consequence: synonymous variant.
Genome position (GRCh38, 1-based): chr16:23,629,805, T>C on the plus strand (A>G on the coding strand, the complement: PALB2 is on the minus strand). VCF-style: chr16-23629805-T-C. GRCh37 (hg19) VCF-style: chr16-23641126-T-C.
Other names: c.2349A>G (NM_024675.3).
Identifiers: ClinVar variation 1151255 (VCV001151255.12), dbSNP rs2142375025, ClinGen allele CA494460963.